The following is an entry in ClinVar:

NM_173630.4(RTTN):c.5280G>A (p.Pro1760=)

Gene: RTTN (rotatin; minus strand). Cytogenetic location: 18q22.2.
Variant type: single nucleotide variant.
Coding change: c.5280G>A on transcript NM_173630.4 (MANE Select); coding-DNA position 5280, G replaced by A.
Protein change: p.Pro1760=; no amino-acid change (proline 1760 retained).
Molecular consequence: synonymous variant.
Genome position (GRCh38, 1-based): chr18:70,051,454, C>T on the plus strand (G>A on the coding strand, the complement: RTTN is on the minus strand). VCF-style: chr18-70051454-C-T. GRCh37 (hg19) VCF-style: chr18-67718690-C-T.
Other names: c.2544G>A, p.Pro848= (NM_001318520.2).
Identifiers: ClinVar variation 716496 (VCV000716496.41), dbSNP rs186543005, ClinGen allele CA8994991.

ClinVar aggregate classification (germline): Benign/Likely benign. Review status: criteria provided, multiple submitters, no conflicts (2 of 4 stars). 4 submissions from 4 submitters: Benign (1); Likely benign (3). Last evaluated 2026-05-01.

Allele frequency attached by ClinVar (database versions not stated): ESP Exome Variant Server 0.00050; TOPMed 0.00054; 1000 Genomes Project 0.00060; 1000 Genomes Project 30x 0.00078; gnomAD exomes 0.00126 and 0.00233; gnomAD 0.00194 and 0.00198; ExAC 0.00239.
gnomAD v4.1: 2,148 of 1,613,900 alleles (0.13%); highest among the groups gnomAD compares: Non-Finnish European, 0.091%; 18 homozygotes.

Submissions (4):

CeGaT Center for Human Genetics Tuebingen
Classification: Likely benign. Last evaluated: 2026-05-01. Review status: criteria provided, single submitter. Criteria: CeGaT Center For Human Genetics Tuebingen Variant Classification Criteria Version 2. Collection method: clinical testing. Allele origin: germline. Affected: yes. Observed: 10 variant alleles.
Comment: RTTN: BP4, BP7

Labcorp Genetics (formerly Invitae), Labcorp
Classification: Benign. Last evaluated: 2026-01-19. Review status: criteria provided, single submitter. Criteria: Invitae Variant Classification Sherloc (09022015). Collection method: clinical testing. Allele origin: germline.

GeneDx
Classification: Likely benign. Last evaluated: 2021-08-30. Review status: criteria provided, single submitter. Criteria: GeneDx Variant Classification Process June 2021. Collection method: clinical testing. Allele origin: germline. Affected: yes.
Comment: See Variant Classification Assertion Criteria.

Breakthrough Genomics
Classification: Likely benign. Review status: criteria provided, single submitter. Criteria: ACMG Guidelines, 2015. Collection method: not provided. Allele origin: germline. Inheritance: Autosomal recessive inheritance. Affected: yes.